The following is an entry in ClinVar:

NM_005094.4(SLC27A4):c.257G>A (p.Arg86His)

Gene: SLC27A4 (solute carrier family 27 member 4; plus strand). Cytogenetic location: 9q34.11.
Variant type: single nucleotide variant.
Coding change: c.257G>A on transcript NM_005094.4 (MANE Select); coding-DNA position 257, G replaced by A.
Protein change: p.Arg86His; replaces arginine 86 with histidine.
Molecular consequence: missense variant.
Genome position (GRCh38, 1-based): chr9:128,345,250, G>A. VCF-style: chr9-128345250-G-A. GRCh37 (hg19) VCF-style: chr9-131107529-G-A.
Other names: short protein forms R86H.
Identifiers: ClinVar variation 1480358 (VCV001480358.3), dbSNP rs751081479, ClinGen allele CA5260886.

ClinVar aggregate classification (germline): Uncertain significance (1 of 4 stars; one submission).

Allele frequency attached by ClinVar (database versions not stated): gnomAD exomes 0.00001 and 0.00002; ExAC 0.00002; TOPMed 0.00002.
gnomAD v4.1: 29 of 1,613,848 alleles (0.0018%); highest among the groups gnomAD compares: East Asian, 0.0022%; no homozygotes.

Submission:

Labcorp Genetics (formerly Invitae), Labcorp
Classification: Uncertain significance. Last evaluated: 2021-11-27. Review status: criteria provided, single submitter. Criteria: Invitae Variant Classification Sherloc (09022015). Collection method: clinical testing. Allele origin: germline.
Comment: This sequence change replaces arginine, which is basic and polar, with histidine, which is basic and polar, at codon 86 of the SLC27A4 protein (p.Arg86His). This variant is present in population databases (rs751081479, gnomAD 0.002%). This variant has not been reported in the literature in individuals affected with SLC27A4-related conditions. Algorithms developed to predict the effect of missense changes on protein structure and function are either unavailable or do not agree on the potential impact of this missense change (SIFT: "Deleterious"; PolyPhen-2: "Probably Damaging"; Align-GVGD: "Class C0"). In summary, the available evidence is currently insufficient to determine the role of this variant in disease. Therefore, it has been classified as a Variant of Uncertain Significance.